The following is an entry in ClinVar:

NM_016120.4(RLIM):c.1159C>T (p.Arg387Cys)

Gene: RLIM (ring finger protein, LIM domain interacting; minus strand). Cytogenetic location: Xq13.2.
Variant type: single nucleotide variant.
Coding change: c.1159C>T on transcript NM_016120.4 (MANE Select); coding-DNA position 1159, C replaced by T.
Protein change: p.Arg387Cys; replaces arginine 387 with cysteine.
Molecular consequence: missense variant.
Genome position (GRCh38, 1-based): chrX:74,592,156, G>A on the plus strand (C>T on the coding strand, the complement: RLIM is on the minus strand). VCF-style: chrX-74592156-G-A. GRCh37 (hg19) VCF-style: chrX-73811991-G-A.
Other names: c.1159C>T, p.Arg387Cys (NM_183353.3); short protein forms R387C.
Identifiers: ClinVar variation 253088 (VCV000253088.38), dbSNP rs1569309776, ClinGen allele CA413660788.

ClinVar aggregate classification (germline): Pathogenic/Likely pathogenic. Review status: criteria provided, multiple submitters, no conflicts (2 of 4 stars). 6 submissions from 6 submitters: Pathogenic (4); Likely pathogenic (1). 1 of the submissions does not count toward it. Last evaluated 2025-05-24.

Conditions:
Intellectual disability, X-linked 61 (TOKAS). Also called: TONNE-KALSCHEUER SYNDROME. Identifiers: MedGen C4283894, MONDO:0010506, OMIM 300978.
Inborn genetic diseases. Identifiers: MedGen C0950123, MeSH D030342.
Non-syndromic X-linked intellectual disability (XLID). Also called: Mental retardation, nonsyndromic, X-linked. Identifiers: Orphanet 777, MedGen C3501611, MONDO:0019181.

Submissions (6):

Dasa
Classification: Pathogenic. Last evaluated: 2025-05-24. Review status: criteria provided, single submitter. Criteria: DASA Assertion Criteria. Collection method: clinical testing. Allele origin: germline.
Comment: NM_016120.4(RLIM):c.1159C>T (p.Arg387Cys) is a missense variant that results in the substitution of arginine with cysteine. Segregation evidence has been reported in affected families. Functional evidence supports a deleterious effect on the gene or gene product (PMID: 25644381; PMID: 29728705). This variant has been recurrently observed in individuals with related phenotype (PMID: 25644381; PMID: 29728705). The variant is present at low frequency in population datasets. Based on the available data, this variant is classified as pathogenic.

Ambry Genetics
Classification: Pathogenic for Inborn genetic diseases. Last evaluated: 2025-02-12. Review status: criteria provided, single submitter. Criteria: Ambry Variant Classification Scheme 2023. Collection method: clinical testing. Allele origin: germline.
Comment: The c.1159C>T (p.R387C) alteration is located in exon 5 (coding exon 3) of the RLIM gene. This alteration results from a C to T substitution at nucleotide position 1159, causing the arginine (R) at amino acid position 387 to be replaced by a cysteine (C). This variant was not reported in population-based cohorts in the Genome Aggregation Database (gnomAD). This variant was identified in one or more individuals with features consistent with Tonne-Kalscheuer syndrome (Frints, 2019; Hu, 2016; Templeton, 2024; external communication) and segregated with disease in at least one family. This variant was determined to be de novo in at least one individual with features consistent with Tonne-Kalscheuer syndrome (external communication). This amino acid position is highly conserved in available vertebrate species. This missense alteration is located in a region that has a low rate of benign missense variation (Lek, 2016; Firth, 2009). In multiple assays testing RLIM function, this variant showed functionally abnormal results (Bustos, 2018; Frints, 2019; Bustos, 2022; Li, 2022). The in silico prediction for this alteration is inconclusive. Based on the available evidence, this alteration is classified as pathogenic.

GeneDx
Classification: Pathogenic. Last evaluated: 2024-05-30. Review status: criteria provided, single submitter. Criteria: GeneDx Variant Classification Process June 2021. Collection method: clinical testing. Allele origin: germline. Affected: yes.
Comment: In silico analysis supports that this missense variant has a deleterious effect on protein structure/function; Not observed at significant frequency in large population cohorts (gnomAD); This variant is associated with the following publications: (PMID: 29728705, 25735484, 25644381, 29463315, 29742418, 35040952, 38038056)

CeGaT Center for Human Genetics Tuebingen
Classification: Likely pathogenic. Last evaluated: 2022-08-01. Review status: criteria provided, single submitter. Criteria: CeGaT Center For Human Genetics Tuebingen Variant Classification Criteria Version 2. Collection method: clinical testing. Allele origin: germline. Affected: yes. Observed: 1 variant allele.
Comment: RLIM: PM1, PM2, PS4:Moderate, PP3, PS3:Supporting

Laboratory for Molecular Medicine, Mass General Brigham Personalized Medicine
Classification: Pathogenic for Non-syndromic X-linked intellectual disability. Last evaluated: 2020-09-11. Review status: criteria provided, single submitter. Criteria: ACMG Guidelines, 2015. Collection method: clinical testing. Allele origin: germline. Inheritance: Autosomal dominant inheritance.
Comment: The p.Arg387Cys variant in RLIM has been reported in an extended Spanish kindred that includes five confirmed hemizygous males with intellectual disability and variable behavioral issues with or without congenital malformations, and nine confirmed heterozygous female carriers with typical neurodevelopment. Four of the carrier females displayed physical features that included shorter stature compared to non-carrier relatives, broad thumbs with short distal phalanges, and/or pes planus, and two had primary ovarian insufficiency (Frints 2019). This variant was absent from large population studies. Computational prediction tools and conservation analysis support that the p.Arg387Cys variant impacts protein function. In vitro functional studies provide some evidence that this variant impacts protein function (Bustos 2018); however, these types of assays may not accurately represent biological function. Animal models in zebrafish have shown that this variant results in microcephaly, which is observed in most affected males (Frints 2019). In summary, this variant meets criteria to be classified as pathogenic for neurodevelopmental disorder in an X-linked recessive manner based on case observations, demonstrated segregation, absence from large population studies, experimental evidence, and predicted impact on protein. ACMG/AMP Criteria applied: PS4_Supporting, PP1_Strong, PM2, PS3_Moderate, PP3.

OMIM
Classification: Pathogenic for TONNE-KALSCHEUER SYNDROME. Last evaluated: 2018-10-11. Review status: no assertion criteria provided. Collection method: literature only. Allele origin: germline. Not counted in ClinVar's aggregate classification.

Literature cited by the submitters: PubMed 25644381 (cited by 4 submitters); PubMed 29728705 (cited by 3 submitters); PubMed 25735484 (cited by Ambry Genetics); PubMed 29742418 (cited by Ambry Genetics and Laboratory for Molecular Medicine, Mass General Brigham Personalized Medicine); PubMed 35040952 (cited by Ambry Genetics); PubMed 35764390 (cited by Ambry Genetics); PubMed 38038056 (cited by Ambry Genetics); Kalscheuer, V. M. Personal Communication. 2016. Berlin, Germany (cited by OMIM).